The following is an entry in ClinVar:

NM_004153.4(ORC1):c.403-7A>C

Gene: ORC1 (origin recognition complex subunit 1; minus strand). Cytogenetic location: 1p32.3.
Variant type: single nucleotide variant.
Coding change: c.403-7A>C on transcript NM_004153.4 (MANE Select); 7 bases into the intron before coding-DNA position 403, A replaced by C.
Molecular consequence: intron variant.
Genome position (GRCh38, 1-based): chr1:52,396,371, T>G on the plus strand (A>C on the coding strand, the complement: ORC1 is on the minus strand). VCF-style: chr1-52396371-T-G. GRCh37 (hg19) VCF-style: chr1-52862043-T-G.
Other names: c.403-7A>C (NM_001190818.2, NM_001190819.2).
Identifiers: ClinVar variation 211801 (VCV000211801.26), dbSNP rs199834691, ClinGen allele CA206442.

ClinVar aggregate classification (germline): Conflicting classifications of pathogenicity. Review status: criteria provided, conflicting classifications (1 of 4 stars). 5 submissions from 5 submitters: Uncertain significance (1); Benign (1); Likely benign (3). Last evaluated 2026-09-01.

Conditions:
Meier-Gorlin syndrome 1 (MGORS1). Also called: EAR, PATELLA, SHORT STATURE SYNDROME. Identifiers: Orphanet 2554, MedGen C4552001, MONDO:0009143, OMIM 224690.

Allele frequency attached by ClinVar (database versions not stated): gnomAD 0.00190 and 0.00197; TOPMed 0.00194; gnomAD exomes 0.00195 and 0.00348; ESP Exome Variant Server 0.00254; 1000 Genomes Project 30x 0.00031; 1000 Genomes Project 0.00040; ExAC 0.00190.
gnomAD v4.1: 5,303 of 1,614,100 alleles (0.33%); highest among the groups gnomAD compares: Non-Finnish European, 0.41%; 17 homozygotes.

Submissions (5):

CeGaT Center for Human Genetics Tuebingen
Classification: Likely benign. Last evaluated: 2026-09-01. Review status: criteria provided, single submitter. Criteria: CeGaT Center For Human Genetics Tuebingen Variant Classification Criteria Version 2. Collection method: clinical testing. Allele origin: germline. Affected: yes. Observed: 4 variant alleles.
Comment: ORC1: BP4, BS2

Labcorp Genetics (formerly Invitae), Labcorp
Classification: Benign. Last evaluated: 2026-02-01. Review status: criteria provided, single submitter. Criteria: Invitae Variant Classification Sherloc (09022015). Collection method: clinical testing. Allele origin: germline.

Blueprint Genetics
Classification: Likely benign. Last evaluated: 2024-11-20. Review status: criteria provided, single submitter. Criteria: ACMG Guidelines, 2015. Collection method: clinical testing. Allele origin: germline.

Illumina Laboratory Services, Illumina
Classification: Likely benign for Meier-Gorlin syndrome 1. Last evaluated: 2018-01-13. Review status: criteria provided, single submitter. Criteria: ICSL Variant Classification Criteria 13 December 2019. Collection method: clinical testing. Allele origin: germline.
Comment: This variant was observed in the ICSL laboratory as part of a predisposition screen in an ostensibly healthy population. It had not been previously curated by ICSL or reported in the Human Gene Mutation Database (HGMD: prior to June 1st, 2018), and was therefore a candidate for classification through an automated scoring system. Utilizing variant allele frequency, disease prevalence and penetrance estimates, and inheritance mode, an automated score was calculated to assess if this variant is too frequent to cause the disease. Based on the score and internal cut-off values, a variant classified as likely benign is not then subjected to further curation. The score for this variant resulted in a classification of likely benign for this disease.

Genetic Services Laboratory, University of Chicago
Classification: Uncertain significance. Last evaluated: 2015-01-07. Review status: criteria provided, single submitter. Criteria: ACMG Guidelines, 2015. Collection method: clinical testing. Allele origin: germline.